The following is an entry in ClinVar:

ClinVar aggregate classification (germline): Uncertain significance (1 of 4 stars; one submission).

Allele frequency attached by ClinVar (database versions not stated): gnomAD exomes below 0.00001; ExAC 0.00001.
gnomAD v4.1: 5 of 1,605,134 alleles (0.00031%); highest among the groups gnomAD compares: Non-Finnish European, 0.00043%; no homozygotes.

Submission:

Ambry Genetics
Classification: Uncertain significance. Last evaluated: 2022-10-08. Review status: criteria provided, single submitter. Criteria: Ambry Variant Classification Scheme 2023. Collection method: clinical testing. Allele origin: germline.
Comment: The p.A624V variant (also known as c.1871C>T), located in coding exon 17 of the RAD54L gene, results from a C to T substitution at nucleotide position 1871. The alanine at codon 624 is replaced by valine, an amino acid with similar properties. This amino acid position is conserved. In addition, this alteration is predicted to be tolerated by in silico analysis. Since supporting evidence is limited at this time, the clinical significance of this alteration remains unclear.

NM_003579.4(RAD54L):c.1871C>T (p.Ala624Val)

Genes: LRRC41 (leucine rich repeat containing 41; minus strand), RAD54L (RAD54 like; plus strand). Cytogenetic location: 1p34.1.
Variant type: single nucleotide variant.
Coding change: c.1871C>T on transcript NM_003579.4 (MANE Select); coding-DNA position 1871, C replaced by T.
Protein change: p.Ala624Val; replaces alanine 624 with valine.
Molecular consequence: missense variant. On other transcripts: 3 prime UTR variant (1).
Genome position (GRCh38, 1-based): chr1:46,277,818, C>T. VCF-style: chr1-46277818-C-T. GRCh37 (hg19) VCF-style: chr1-46743490-C-T.
Other names: c.*1047G>A (NM_006369.5); c.1871C>T, p.Ala624Val (NM_001142548.2); c.1331C>T, p.Ala444Val (NM_001370766.1); short protein forms A444V, A624V.
Identifiers: ClinVar variation 1781698 (VCV001781698.2), dbSNP rs765569038, ClinGen allele CA834757.
Genomic context (GRCh38, chr1:46,277,818, plus strand): 5'-TTTTTATGAGGATGGCTAAGCGCTGTATCTTTTGACATTCCCCACCTCCTCTTCCCCAGG[C>T]AGGGACCATTGAGGAGAAGATCTTCCAGCGTCAGAGCCACAAGAAGGCACTGAGCAGCTG-3'
Protein context (NP_003570.2, residues 614-634): KTCYIYRLLS[Ala624Val]GTIEEKIFQR